The following is an entry in ClinVar:

ClinVar aggregate classification (germline): Likely pathogenic (1 of 4 stars; one submission).

Conditions:
Camptomelic dysplasia (CMPD). Also called: Campomelic Dysplasia; CMPD1/SRA1. Identifiers: Orphanet 140, MedGen C1861922, MONDO:0007251, OMIM 114290.

Submission:

Labcorp Genetics (formerly Invitae), Labcorp
Classification: Likely pathogenic for Camptomelic dysplasia. Last evaluated: 2020-08-04. Review status: criteria provided, single submitter. Criteria: Invitae Variant Classification Sherloc (09022015). Collection method: clinical testing. Allele origin: germline.
Comment: In summary, the currently available evidence indicates that the variant is pathogenic, but additional data are needed to prove that conclusively. Therefore, this variant has been classified as Likely Pathogenic. This variant has been observed in individual(s) with clinical features of campomelic dysplasia (Invitae). In at least one individual the variant was observed to be de novo. Algorithms developed to predict the effect of missense changes on protein structure and function are either unavailable or do not agree on the potential impact of this missense change (SIFT: "Deleterious"; PolyPhen-2: "Probably Damaging"; Align-GVGD: "Class C0"). This variant is not present in population databases (ExAC no frequency). This sequence change replaces glycine with aspartic acid at codon 140 of the SOX9 protein (p.Gly140Asp). The glycine residue is moderately conserved and there is a moderate physicochemical difference between glycine and aspartic acid.

NM_000346.4(SOX9):c.419G>A (p.Gly140Asp)

Genes: SOX9 (SRY-box transcription factor 9; plus strand), LOC108021846 (SOX9 promoter region; plus strand). Cytogenetic location: 17q24.3.
Variant type: single nucleotide variant.
Coding change: c.419G>A on transcript NM_000346.4 (MANE Select); coding-DNA position 419, G replaced by A.
Protein change: p.Gly140Asp; replaces glycine 140 with aspartic acid.
Molecular consequence: missense variant.
Genome position (GRCh38, 1-based): chr17:72,121,810, G>A. VCF-style: chr17-72121810-G-A. GRCh37 (hg19) VCF-style: chr17-70117951-G-A.
Other names: short protein forms G140D.
Identifiers: ClinVar variation 1067274 (VCV001067274.9), dbSNP rs2143241065, ClinGen allele CA400866236.